The following is an entry in ClinVar:

NM_015404.4(WHRN):c.1523C>T (p.Pro508Leu)

Gene: WHRN (whirlin; minus strand). Cytogenetic location: 9q32.
Variant type: single nucleotide variant.
Coding change: c.1523C>T on transcript NM_015404.4 (MANE Select); coding-DNA position 1523, C replaced by T.
Protein change: p.Pro508Leu; replaces proline 508 with leucine.
Molecular consequence: missense variant.
Genome position (GRCh38, 1-based): chr9:114,423,417, G>A on the plus strand (C>T on the coding strand, the complement: WHRN is on the minus strand). VCF-style: chr9-114423417-G-A. GRCh37 (hg19) VCF-style: chr9-117185697-G-A.
Other names: c.374C>T, p.Pro125Leu (NM_001083885.3); c.1523C>T, p.Pro508Leu (NM_001173425.2); c.470C>T, p.Pro157Leu (NM_001346890.1); short protein forms P508L, P125L, P157L.
Identifiers: ClinVar variation 2196965 (VCV002196965.2), dbSNP rs746530738, ClinGen allele CA5205921.

ClinVar aggregate classification (germline): Uncertain significance (1 of 4 stars; one submission).

Allele frequency attached by ClinVar (database versions not stated): ExAC 0.00002; gnomAD 0.00002; gnomAD exomes 0.00002; TOPMed 0.00002.
gnomAD v4.1: 32 of 1,613,930 alleles (0.002%); highest among the groups gnomAD compares: Non-Finnish European, 0.0026%; no homozygotes.

Submission:

Labcorp Genetics (formerly Invitae), Labcorp
Classification: Uncertain significance. Last evaluated: 2025-03-17. Review status: criteria provided, single submitter. Criteria: Invitae Variant Classification Sherloc (09022015). Collection method: clinical testing. Allele origin: germline.
Comment: This sequence change replaces proline, which is neutral and non-polar, with leucine, which is neutral and non-polar, at codon 508 of the WHRN protein (p.Pro508Leu). This variant is present in population databases (rs746530738, gnomAD 0.003%). This variant has not been reported in the literature in individuals affected with WHRN-related conditions. ClinVar contains an entry for this variant (Variation ID: 2196965). An algorithm developed to predict the effect of missense changes on protein structure and function (PolyPhen-2) suggests that this variant is likely to be tolerated. In summary, the available evidence is currently insufficient to determine the role of this variant in disease. Therefore, it has been classified as a Variant of Uncertain Significance.